The following is an entry in ClinVar:

NM_032833.5(PPP1R15B):c.151C>T (p.Leu51Phe)

Gene: PPP1R15B (protein phosphatase 1 regulatory subunit 15B; minus strand). Cytogenetic location: 1q32.1.
Variant type: single nucleotide variant.
Coding change: c.151C>T on transcript NM_032833.5 (MANE Select); coding-DNA position 151, C replaced by T.
Protein change: p.Leu51Phe; replaces leucine 51 with phenylalanine.
Molecular consequence: missense variant.
Genome position (GRCh38, 1-based): chr1:204,411,261, G>A on the plus strand (C>T on the coding strand, the complement: PPP1R15B is on the minus strand). VCF-style: chr1-204411261-G-A. GRCh37 (hg19) VCF-style: chr1-204380389-G-A.
Other names: short protein forms L51F.
Identifiers: ClinVar variation 2020531 (VCV002020531.4), dbSNP rs773080786, ClinGen allele CA1346891.

ClinVar aggregate classification (germline): Uncertain significance (1 of 4 stars; one submission).

Allele frequency attached by ClinVar (database versions not stated): ExAC 0.00001.

Submission:

Labcorp Genetics (formerly Invitae), Labcorp
Classification: Uncertain significance. Last evaluated: 2024-04-25. Review status: criteria provided, single submitter. Criteria: Invitae Variant Classification Sherloc (09022015). Collection method: clinical testing. Allele origin: germline.
Comment: This sequence change replaces leucine, which is neutral and non-polar, with phenylalanine, which is neutral and non-polar, at codon 51 of the PPP1R15B protein (p.Leu51Phe). This variant is present in population databases (rs773080786, gnomAD 0.003%). This variant has not been reported in the literature in individuals affected with PPP1R15B-related conditions. ClinVar contains an entry for this variant (Variation ID: 2020531). Advanced modeling of protein sequence and biophysical properties (such as structural, functional, and spatial information, amino acid conservation, physicochemical variation, residue mobility, and thermodynamic stability) performed at Invitae indicates that this missense variant is not expected to disrupt PPP1R15B protein function with a negative predictive value of 80%. In summary, the available evidence is currently insufficient to determine the role of this variant in disease. Therefore, it has been classified as a Variant of Uncertain Significance.